The following is an entry in ClinVar:

NM_001430.5(EPAS1):c.1855C>T (p.Pro619Ser)

Gene: EPAS1 (endothelial PAS domain protein 1; plus strand). Cytogenetic location: 2p21.
Variant type: single nucleotide variant.
Coding change: c.1855C>T on transcript NM_001430.5 (MANE Select); coding-DNA position 1855, C replaced by T.
Protein change: p.Pro619Ser; replaces proline 619 with serine.
Molecular consequence: missense variant.
Genome position (GRCh38, 1-based): chr2:46,380,527, C>T. VCF-style: chr2-46380527-C-T. GRCh37 (hg19) VCF-style: chr2-46607666-C-T.
Other names: short protein forms P619S.
Identifiers: ClinVar variation 1781392 (VCV001781392.5), dbSNP rs745687417, ClinGen allele CA1645130.

ClinVar aggregate classification (germline): Uncertain significance. Review status: criteria provided, multiple submitters, no conflicts (2 of 4 stars). 2 submissions from 2 submitters: Uncertain significance (2). Last evaluated 2024-01-24.

Conditions:
Inborn genetic diseases. Identifiers: MedGen C0950123, MeSH D030342.

Allele frequency attached by ClinVar (database versions not stated): ExAC 0.00001.
gnomAD v4.1: 1 of 1,614,232 alleles (0.000062%); highest among the groups gnomAD compares: Non-Finnish European, 0.000085%; no homozygotes.

Submissions (2):

Labcorp Genetics (formerly Invitae), Labcorp
Classification: Uncertain significance. Last evaluated: 2024-01-24. Review status: criteria provided, single submitter. Criteria: Invitae Variant Classification Sherloc (09022015). Collection method: clinical testing. Allele origin: germline.
Comment: This sequence change replaces proline, which is neutral and non-polar, with serine, which is neutral and polar, at codon 619 of the EPAS1 protein (p.Pro619Ser). This variant is present in population databases (rs745687417, gnomAD 0.0009%). This variant has not been reported in the literature in individuals affected with EPAS1-related conditions. ClinVar contains an entry for this variant (Variation ID: 1781392). Algorithms developed to predict the effect of missense changes on protein structure and function output the following: SIFT: "Not Available"; PolyPhen-2: "Benign"; Align-GVGD: "Not Available". The serine amino acid residue is found in multiple mammalian species, which suggests that this missense change does not adversely affect protein function. In summary, the available evidence is currently insufficient to determine the role of this variant in disease. Therefore, it has been classified as a Variant of Uncertain Significance.

Ambry Genetics
Classification: Uncertain significance for Inborn genetic diseases. Last evaluated: 2021-12-05. Review status: criteria provided, single submitter. Criteria: Ambry Variant Classification Scheme 2023. Collection method: clinical testing. Allele origin: germline.
Comment: The p.P619S variant (also known as c.1855C>T), located in coding exon 12 of the EPAS1 gene, results from a C to T substitution at nucleotide position 1855. The proline at codon 619 is replaced by serine, an amino acid with similar properties. This amino acid position is conserved. In addition, this alteration is predicted to be tolerated by in silico analysis. Since supporting evidence is limited at this time, the clinical significance of this alteration remains unclear.